The following is an entry in ClinVar:

NM_017780.4(CHD7):c.529C>T (p.Pro177Ser)

Gene: CHD7 (chromodomain helicase DNA binding protein 7; plus strand). Cytogenetic location: 8q12.2.
Variant type: single nucleotide variant.
Coding change: c.529C>T on transcript NM_017780.4 (MANE Select); coding-DNA position 529, C replaced by T.
Protein change: p.Pro177Ser; replaces proline 177 with serine.
Molecular consequence: missense variant.
Genome position (GRCh38, 1-based): chr8:60,741,961, C>T. VCF-style: chr8-60741961-C-T. GRCh37 (hg19) VCF-style: chr8-61654520-C-T.
Other names: c.529C>T, p.Pro177Ser (NM_001316690.1); short protein forms P177S.
Identifiers: ClinVar variation 3367038 (VCV003367038.1).
Genomic context (GRCh38, chr8:60,741,961, plus strand): 5'-CGAGCCCCCTACCAGCAGCAGCAGCCACAGCCGCAGCCACCGCAGCCGGCTCCGTCGGGG[C>T]CCCCTGCACAGGGCCACCCTCAGCACATGCAGCAGATGGGCAGCTATATGGCACGTGGGG-3'
Protein context (NP_060250.2, residues 167-187): PQPPQPAPSG[Pro177Ser]PAQGHPQHMQ

ClinVar aggregate classification (germline): Uncertain significance (1 of 4 stars; one submission).

Conditions:
CHARGE syndrome (CHARGE). Also called: Hittner Hirsch Kreh syndrome; CHARGE ASSOCIATION--COLOBOMA, HEART ANOMALY, CHOANAL ATRESIA, RETARDATION, GENITAL AND EAR ANOMALIES; Coloboma, heart anomaly, choanal atresia, retardation, genital and ear anomalies; CHARGE association; Hall-Hittner syndrome. Identifiers: Orphanet 138, MedGen C0265354, MONDO:0008965.

gnomAD v4.1: 1 of 1,613,528 alleles (0.000062%); highest among the groups gnomAD compares: Non-Finnish European, 0.000085%; no homozygotes.

Submission:

Neuberg Centre For Genomic Medicine, NCGM
Classification: Uncertain significance for CHD7-related CHARGE syndrome. Last evaluated: 2023-05-20. Review status: criteria provided, single submitter. Criteria: ACMG Guidelines, 2015. Collection method: clinical testing. Allele origin: germline. Inheritance: Autosomal dominant inheritance. Affected: yes.
Comment: The missense variant c.529C>T(p.Pro177Ser) in the CHD7 gene has not been reported previously as a pathogenic variant nor as a benign variant, to our knowledge. This variant is reported with the allele frequency (0%) in the gnomAD Exomes. The amino acid Proline at position 177 is changed to a Serine changing protein sequence and it might alter its composition and physico-chemical properties. Computational evidence (Polyphen, SIFT and MutationTaster) predicts conflicting evidence on protein structure and function for this variant. The amino acid change p.Pro177Ser in CHD7 is predicted as conserved by GERP++ and PhyloP across 100 vertebrates. For these reasons, this variant has been classified as Uncertain Significance.